The following is an entry in ClinVar:

NM_004006.3(DMD):c.1813-3_1819del

Gene: DMD (dystrophin; minus strand). Cytogenetic location: Xp21.1.
Variant type: Deletion.
Coding change: c.1813-3_1819del on transcript NM_004006.3 (MANE Select); 3 bases into the intron before coding-DNA position 1813 through coding-DNA position 1819, 10 bases deleted (CAGGTTTTAA; older notation c.1813-3_1819delCAGGTTTTAA).
Molecular consequence: splice acceptor variant.
Genome position (GRCh38, 1-based): chrX:32,565,875-32,565,884, TTAAAACCTG deleted on the plus strand (CAGGTTTTAA on the coding strand, the reverse complement: DMD is on the minus strand); deleting any 10 consecutive bases within chrX:32,565,875-32,565,891 gives the same sequence; the c. name uses the placement nearest the transcript's 3' end. VCF-style (leftmost placement, unchanged base first): chrX-32565874-TTTAAAACCTG-T. GRCh37 (hg19) VCF-style: chrX-32583991-TTTAAAACCTG-T.
Other names: c.1813-3_1819del10 (NM_004006.3); c.1789-3_1795del (NM_000109.4); c.1801-3_1807del (NM_004009.3); c.1444-3_1450del (NM_004010.3).
Identifiers: ClinVar variation 4847925 (VCV004847925.1).

ClinVar aggregate classification (germline): Likely pathogenic (1 of 4 stars; one submission).

Conditions:
Neuromuscular disease caused by qualitative or quantitative defects of dystrophin. Also called: Qualitative or quantitative defects of dystrophin. Identifiers: Orphanet 207085, MedGen C5679787, MONDO:0016147.

Submission:

Women's Health and Genetics/Laboratory Corporation of America, LabCorp
Classification: Likely pathogenic for Neuromuscular disease caused by qualitative or quantitative defects of dystrophin. Last evaluated: 2026-02-10. Review status: criteria provided, single submitter. Criteria: LabCorp Variant Classification Summary - May 2015. Collection method: clinical testing. Allele origin: germline.
Comment: Variant summary: DMD c.1813-3_1819del10 is located in a canonical splice-site and is predicted to affect mRNA splicing resulting in a significantly altered protein due to either exon skipping, shortening, or inclusion of intronic material. Variants that disrupt the consensus splice site are a relatively common cause of aberrant splicing and loss of DMD function. Several computational tools predict a significant impact on normal splicing: Five predict the variant abolishes a canonical 3' acceptor site, three predict the variant creates a cryptic 3' acceptor site, and one predicts the variant strengthens a cryptic 3' acceptor site. However, these predictions have yet to be confirmed by functional studies. The variant was absent in 177992 control chromosomes. To our knowledge, no occurrence of c.1813-3_1819del10 in individuals affected with DMD-related conditions and no experimental evidence demonstrating its impact on protein function have been reported. No submitters have cited clinical-significance assessments for this variant to ClinVar. Based on the evidence outlined above, the variant was classified as likely pathogenic.